The following is an entry in ClinVar:

ClinVar aggregate classification (germline): Uncertain significance (1 of 4 stars; one submission).

Conditions:
Cardiovascular phenotype. Identifiers: MedGen CN230736.

Submission:

Ambry Genetics
Classification: Uncertain significance for Cardiovascular phenotype. Last evaluated: 2026-08-10. Review status: criteria provided, single submitter. Criteria: Ambry Variant Classification Scheme 2023. Collection method: clinical testing. Allele origin: germline.
Comment: The p.M716V variant (also known as c.2146A>G) is located in coding exon 11 of the PKP2 gene. The methionine at codon 716 is replaced by valine, an amino acid with highly similar properties. This change occurs in the first base pair of coding exon 11. This amino acid position is conserved. In addition, this alteration is predicted to be tolerated by in silico analysis. Based on the available evidence, the clinical significance of this variant remains unclear.

NM_001005242.3(PKP2):c.2014A>G (p.Met672Val)

Gene: PKP2 (plakophilin 2; minus strand). Cytogenetic location: 12p11.21.
Variant type: single nucleotide variant.
Coding change: c.2014A>G on transcript NM_001005242.3 (MANE Select); coding-DNA position 2014, A replaced by G.
Protein change: p.Met672Val; replaces methionine 672 with valine.
Molecular consequence: missense variant.
Genome position (GRCh38, 1-based): chr12:32,802,556, T>C on the plus strand (A>G on the coding strand, the complement: PKP2 is on the minus strand). VCF-style: chr12-32802556-T-C. GRCh37 (hg19) VCF-style: chr12-32955490-T-C.
Other names: c.2014A>G, p.Met672Val (NM_001407155.1); c.1849A>G, p.Met617Val (NM_001407156.1); c.1687A>G, p.Met563Val (NM_001407158.1, NM_001407159.1, NM_001407160.1); c.2146A>G, p.Met716Val (NM_004572.4); short protein forms M617V, M672V, M563V, M716V.
Identifiers: ClinVar variation 5026788 (VCV005026788.1).